The following is an entry in ClinVar:

NM_024675.4(PALB2):c.2302T>C (p.Cys768Arg)

Gene: PALB2 (partner and localizer of BRCA2; minus strand). Cytogenetic location: 16p12.2.
Variant type: single nucleotide variant.
Coding change: c.2302T>C on transcript NM_024675.4 (MANE Select); coding-DNA position 2302, T replaced by C.
Protein change: p.Cys768Arg; replaces cysteine 768 with arginine.
Molecular consequence: missense variant.
Genome position (GRCh38, 1-based): chr16:23,629,852, A>G on the plus strand (T>C on the coding strand, the complement: PALB2 is on the minus strand). VCF-style: chr16-23629852-A-G. GRCh37 (hg19) VCF-style: chr16-23641173-A-G.
Other names: short protein forms C768R.
Identifiers: ClinVar variation 808018 (VCV000808018.47), dbSNP rs1597089419, ClinGen allele CA395125265.

ClinVar aggregate classification (germline): Uncertain significance. Review status: criteria provided, multiple submitters, no conflicts (2 of 4 stars). 3 submissions from 3 submitters: Uncertain significance (3). Last evaluated 2025-09-19.

Conditions:
Hereditary cancer-predisposing syndrome. Also called: Neoplastic Syndromes, Hereditary; Hereditary neoplastic syndrome; Tumor predisposition; Hereditary Cancer Syndrome. Identifiers: Orphanet 140162, MedGen C0027672, MeSH D009386, MONDO:0015356.
Familial cancer of breast. Also called: BREAST CANCER, FAMILIAL; Hereditary breast cancer; hereditary breast carcinoma. Identifiers: Orphanet 227535, MedGen C0346153, MONDO:0016419, OMIM 114480. Disease mechanism: loss of function.

Submissions (3):

Labcorp Genetics (formerly Invitae), Labcorp
Classification: Uncertain significance for Familial cancer of breast. Last evaluated: 2025-09-19. Review status: criteria provided, single submitter. Criteria: Invitae Variant Classification Sherloc (09022015). Collection method: clinical testing. Allele origin: germline.
Comment: This sequence change replaces cysteine, which is neutral and slightly polar, with arginine, which is basic and polar, at codon 768 of the PALB2 protein (p.Cys768Arg). This variant is not present in population databases (gnomAD no frequency). This variant has not been reported in the literature in individuals affected with PALB2-related conditions. ClinVar contains an entry for this variant (Variation ID: 808018). Invitae Evidence Modeling of protein sequence and biophysical properties (such as structural, functional, and spatial information, amino acid conservation, physicochemical variation, residue mobility, and thermodynamic stability) indicates that this missense variant is not expected to disrupt PALB2 protein function with a negative predictive value of 80%. In summary, the available evidence is currently insufficient to determine the role of this variant in disease. Therefore, it has been classified as a Variant of Uncertain Significance.

CeGaT Center for Human Genetics Tuebingen
Classification: Uncertain significance. Last evaluated: 2022-07-01. Review status: criteria provided, single submitter. Criteria: CeGaT Center For Human Genetics Tuebingen Variant Classification Criteria Version 2. Collection method: clinical testing. Allele origin: germline. Affected: yes. Observed: 1 variant allele.
Comment: PALB2: PM2, BP4

Ambry Genetics
Classification: Uncertain significance for Hereditary cancer-predisposing syndrome. Last evaluated: 2019-07-15. Review status: criteria provided, single submitter. Criteria: Ambry Variant Classification Scheme 2023. Collection method: clinical testing. Allele origin: germline.
Comment: The p.C768R variant (also known as c.2302T>C), located in coding exon 5 of the PALB2 gene, results from a T to C substitution at nucleotide position 2302. The cysteine at codon 768 is replaced by arginine, an amino acid with highly dissimilar properties. This amino acid position is poorly conserved in available vertebrate species. In addition, this alteration is predicted to be tolerated by in silico analysis. Since supporting evidence is limited at this time, the clinical significance of this alteration remains unclear.